The following is an entry in ClinVar:

ClinVar aggregate classification (germline): Uncertain significance (1 of 4 stars; one submission).

Submission:

GeneDx
Classification: Uncertain significance. Last evaluated: 2024-03-22. Review status: criteria provided, single submitter. Criteria: GeneDx Variant Classification Process June 2021. Collection method: clinical testing. Allele origin: germline. Affected: yes.
Comment: Not observed at significant frequency in large population cohorts (gnomAD); In silico analysis supports that this missense variant does not alter protein structure/function; Has not been previously published as pathogenic or benign to our knowledge

NM_001080517.3(SETD5):c.1183A>G (p.Asn395Asp)

Gene: SETD5 (SET domain containing 5; plus strand). Cytogenetic location: 3p25.3.
Variant type: single nucleotide variant.
Coding change: c.1183A>G on transcript NM_001080517.3 (MANE Select); coding-DNA position 1183, A replaced by G.
Protein change: p.Asn395Asp; replaces asparagine 395 with aspartic acid.
Molecular consequence: missense variant.
Genome position (GRCh38, 1-based): chr3:9,443,413, A>G. VCF-style: chr3-9443413-A-G. GRCh37 (hg19) VCF-style: chr3-9485097-A-G.
Other names: c.889A>G, p.Asn297Asp (NM_001292043.2, NM_001349451.2); short protein forms N297D, N395D.
Identifiers: ClinVar variation 3371436 (VCV003371436.1).